The following is an entry in ClinVar:

ClinVar aggregate classification (germline): Uncertain significance. Review status: criteria provided, multiple submitters, no conflicts (2 of 4 stars). 3 submissions from 3 submitters: Uncertain significance (3). Last evaluated 2025-07-04.

Conditions:
Ehlers-Danlos syndrome, type 4 (EDSVASC). Also called: Ehlers-Danlos syndrome vascular type; Ehlers Danlos syndrome, ecchymotic type; Ehlers Danlos syndrome, arterial type; Ehlers Danlos syndrome, Sack-Barabas type; Ehlers-Danlos Syndrome Type IV. Identifiers: Orphanet 286, MedGen C0268338, MONDO:0017314, OMIM 130050.
Familial thoracic aortic aneurysm and aortic dissection (TAAD). Also called: Thoracic aortic aneurysms and dissections. Identifiers: Orphanet 91387, MedGen C4707243, MONDO:0019625.

Submissions (3):

Dasa
Classification: Uncertain significance. Last evaluated: 2025-07-04. Review status: criteria provided, single submitter. Criteria: DASA Assertion Criteria. Collection method: clinical testing. Allele origin: germline.
Comment: NM_000090.4(COL3A1):c.55A>T (p.Thr19Ser) is a missense variant that results in the substitution of threonine with serine. This variant is absent from population databases. Computational prediction algorithms are consistent with a benign effect. The currently available literature and clinical evidence are not sufficient to establish a definitive association between this variant and the reported condition. Therefore, this variant is classified as a variant of uncertain significance.

Color Diagnostics, LLC DBA Color Health
Classification: Uncertain significance for Familial thoracic aortic aneurysm and aortic dissection. Last evaluated: 2024-03-06. Review status: criteria provided, single submitter. Criteria: ACMG Guidelines, 2015. Collection method: clinical testing. Allele origin: germline.
Comment: This missense variant replaces threonine with serine at codon 19 of the COL3A1 protein. Computational prediction suggests that this variant may not impact protein structure and function (internally defined REVEL score threshold <= 0.5, PMID: 27666373). To our knowledge, functional studies have not been reported for this variant. This variant has not been reported in individuals affected with cardiovascular disorders in the literature. This variant has not been identified in the general population by the Genome Aggregation Database (gnomAD). The available evidence is insufficient to determine the role of this variant in disease conclusively. Therefore, this variant is classified as a Variant of Uncertain Significance.

Labcorp Genetics (formerly Invitae), Labcorp
Classification: Uncertain significance for Ehlers-Danlos syndrome, type 4. Last evaluated: 2022-05-17. Review status: criteria provided, single submitter. Criteria: Invitae Variant Classification Sherloc (09022015). Collection method: clinical testing. Allele origin: germline.
Comment: This variant has not been reported in the literature in individuals affected with COL3A1-related conditions. This variant is not present in population databases (gnomAD no frequency). This sequence change replaces threonine, which is neutral and polar, with serine, which is neutral and polar, at codon 19 of the COL3A1 protein (p.Thr19Ser). Advanced modeling of protein sequence and biophysical properties (such as structural, functional, and spatial information, amino acid conservation, physicochemical variation, residue mobility, and thermodynamic stability) performed at Invitae indicates that this missense variant is not expected to disrupt COL3A1 protein function. In summary, the available evidence is currently insufficient to determine the role of this variant in disease. Therefore, it has been classified as a Variant of Uncertain Significance.

NM_000090.4(COL3A1):c.55A>T (p.Thr19Ser)

Gene: COL3A1 (collagen type III alpha 1 chain; plus strand). Cytogenetic location: 2q32.2.
Variant type: single nucleotide variant.
Coding change: c.55A>T on transcript NM_000090.4 (MANE Select); coding-DNA position 55, A replaced by T.
Protein change: p.Thr19Ser; replaces threonine 19 with serine.
Molecular consequence: missense variant.
Genome position (GRCh38, 1-based): chr2:188,974,544, A>T. VCF-style: chr2-188974544-A-T. GRCh37 (hg19) VCF-style: chr2-189839270-A-T.
Other names: short protein forms T19S.
Identifiers: ClinVar variation 1995461 (VCV001995461.8), dbSNP rs1300339107, ClinGen allele CA349845451.